The following is an entry in ClinVar:

ClinVar aggregate classification (germline): Pathogenic (1 of 4 stars; one submission).

Conditions:
Osteogenesis imperfecta type 8 (OI8). Identifiers: MedGen C1970458, MONDO:0012581, OMIM 610915.

Submission:

Labcorp Genetics (formerly Invitae), Labcorp
Classification: Pathogenic for Osteogenesis imperfecta type 8. Last evaluated: 2023-01-26. Review status: criteria provided, single submitter. Criteria: Invitae Variant Classification Sherloc (09022015). Collection method: clinical testing. Allele origin: unknown.
Comment: This variant has not been reported in the literature in individuals affected with P3H1-related conditions. For these reasons, this variant has been classified as Pathogenic. This variant disrupts a region of the P3H1 protein in which other variant(s) (p.Glu719Argfs*11) have been determined to be pathogenic (PMID: 22615817). This suggests that this is a clinically significant region of the protein, and that variants that disrupt it are likely to be disease-causing. This variant is a gross deletion of the genomic region encompassing exon(s) 5-15 of the P3H1 gene, which includes the termination codon. This deletion extends beyond the assayed region for this gene and therefore may encompass additional genes. While this deletion is not anticipated to lead to nonsense mediated decay, it is expected to alter mRNA translation or result in a truncated protein product.

Literature cited by the submitters: PubMed 22615817.

NC_000001.10:g.(?_43212368)_(43223613_?)del

Gene: P3H1 (prolyl 3-hydroxylase 1; minus strand). Cytogenetic location: 1p34.2.
Variant type: Deletion.
Identifiers: ClinVar variation 3247786 (VCV003247786.1).